The following is an entry in ClinVar:

ClinVar aggregate classification (germline): Uncertain significance. Review status: criteria provided, multiple submitters, no conflicts (2 of 4 stars). 2 submissions from 2 submitters: Uncertain significance (2). Last evaluated 2025-03-29.

Conditions:
Charcot-Marie-Tooth disease dominant intermediate E. Also called: CHARCOT-MARIE-TOOTH NEUROPATHY WITH FOCAL SEGMENTAL GLOMERULONEPHRITIS. Identifiers: Orphanet 93114, MedGen C4302667, MONDO:0013758, OMIM 614455.
Focal segmental glomerulosclerosis 5 (FSGS5). Identifiers: Orphanet 656, MedGen C2750475, MONDO:0013191, OMIM 613237.

Allele frequency attached by ClinVar (database versions not stated): TOPMed below 0.00001.
gnomAD v4.1: 1 of 1,223,866 alleles (0.000082%); no homozygotes.

Submissions (2):

Labcorp Genetics (formerly Invitae), Labcorp
Classification: Uncertain significance for Charcot-Marie-Tooth disease dominant intermediate E; Focal segmental glomerulosclerosis 5. Last evaluated: 2025-03-29. Review status: criteria provided, single submitter. Criteria: Invitae Variant Classification Sherloc (09022015). Collection method: clinical testing. Allele origin: germline.
Comment: This sequence change replaces proline, which is neutral and non-polar, with leucine, which is neutral and non-polar, at codon 427 of the INF2 protein (p.Pro427Leu). This variant is not present in population databases (gnomAD no frequency). This variant has not been reported in the literature in individuals affected with INF2-related conditions. ClinVar contains an entry for this variant (Variation ID: 1059350). Invitae Evidence Modeling of protein sequence and biophysical properties (such as structural, functional, and spatial information, amino acid conservation, physicochemical variation, residue mobility, and thermodynamic stability) indicates that this missense variant is not expected to disrupt INF2 protein function with a negative predictive value of 95%. In summary, the available evidence is currently insufficient to determine the role of this variant in disease. Therefore, it has been classified as a Variant of Uncertain Significance.

Fulgent Genetics
Classification: Uncertain significance for Focal segmental glomerulosclerosis 5; Charcot-Marie-Tooth disease dominant intermediate E. Last evaluated: 2024-06-18. Review status: criteria provided, single submitter. Criteria: ACMG Guidelines, 2015. Collection method: clinical testing. Allele origin: germline.

NM_022489.4(INF2):c.1280C>T (p.Pro427Leu)

Gene: INF2 (inverted formin 2; plus strand). Cytogenetic location: 14q32.33.
Variant type: single nucleotide variant.
Coding change: c.1280C>T on transcript NM_022489.4 (MANE Select); coding-DNA position 1280, C replaced by T.
Protein change: p.Pro427Leu; replaces proline 427 with leucine.
Molecular consequence: missense variant.
Genome position (GRCh38, 1-based): chr14:104,707,547, C>T. VCF-style: chr14-104707547-C-T. GRCh37 (hg19) VCF-style: chr14-105173884-C-T.
Other names: c.1280C>T, p.Pro427Leu (NM_001031714.4); short protein forms P427L.
Identifiers: ClinVar variation 1059350 (VCV001059350.11), dbSNP rs1889838927, ClinGen allele CA391216448.